The following is an entry in ClinVar:

ClinVar aggregate classification (germline): Uncertain significance (1 of 4 stars; one submission).

Conditions:
Spastic paraplegia. Identifiers: MedGen C0037772, HP:0001258.

gnomAD v4.1: 2 of 1,419,946 alleles (0.00014%); highest among the groups gnomAD compares: Non-Finnish European, 0.00018%; no homozygotes.

Submission:

Labcorp Genetics (formerly Invitae), Labcorp
Classification: Uncertain significance for Spastic paraplegia. Last evaluated: 2021-05-18. Review status: criteria provided, single submitter. Criteria: Invitae Variant Classification Sherloc (09022015). Collection method: clinical testing. Allele origin: germline.
Comment: In summary, the available evidence is currently insufficient to determine the role of this variant in disease. Therefore, it has been classified as a Variant of Uncertain Significance. Advanced modeling of protein sequence and biophysical properties (such as structural, functional, and spatial information, amino acid conservation, physicochemical variation, residue mobility, and thermodynamic stability) performed at Invitae indicates that this missense variant is not expected to disrupt CYP2U1 protein function. This variant has not been reported in the literature in individuals with CYP2U1-related conditions. The frequency data for this variant in the population databases is considered unreliable, as metrics indicate insufficient coverage at this position in the ExAC database. This sequence change replaces proline with leucine at codon 32 of the CYP2U1 protein (p.Pro32Leu). The proline residue is weakly conserved and there is a moderate physicochemical difference between proline and leucine.

NM_183075.3(CYP2U1):c.95C>T (p.Pro32Leu)

Genes: CYP2U1-AS1 (CYP2U1 and SGMS2 antisense RNA 1; minus strand), CYP2U1 (cytochrome P450 family 2 subfamily U member 1; plus strand). Cytogenetic location: 4q25.
Variant type: single nucleotide variant.
Coding change: c.95C>T on transcript NM_183075.3 (MANE Select); coding-DNA position 95, C replaced by T.
Protein change: p.Pro32Leu; replaces proline 32 with leucine.
Molecular consequence: missense variant.
Genome position (GRCh38, 1-based): chr4:107,931,738, C>T. VCF-style: chr4-107931738-C-T. GRCh37 (hg19) VCF-style: chr4-108852894-C-T.
Other names: short protein forms P32L.
Identifiers: ClinVar variation 1513102 (VCV001513102.8), dbSNP rs2126188056, ClinGen allele CA357831718.